The following is an entry in ClinVar:

NM_002016.2(FLG):c.5629G>A (p.Gly1877Ser)

Genes: CCDST (cervical cancer associated DHX9 suppressive transcript; plus strand), FLG (filaggrin; minus strand). Cytogenetic location: 1q21.3.
Variant type: single nucleotide variant.
Coding change: c.5629G>A on transcript NM_002016.2 (MANE Select); coding-DNA position 5629, G replaced by A.
Protein change: p.Gly1877Ser; replaces glycine 1877 with serine.
Molecular consequence: missense variant.
Genome position (GRCh38, 1-based): chr1:152,309,257, C>T on the plus strand (G>A on the coding strand, the complement: FLG is on the minus strand). VCF-style: chr1-152309257-C-T. GRCh37 (hg19) VCF-style: chr1-152281733-C-T.
Other names: short protein forms G1877S.
Identifiers: ClinVar variation 2341370 (VCV002341370.4), dbSNP rs759521635, ClinGen allele CA1105680.

ClinVar aggregate classification (germline): Uncertain significance. Review status: criteria provided, multiple submitters, no conflicts (2 of 4 stars). 2 submissions from 2 submitters: Uncertain significance (2). Last evaluated 2026-06-01.

Conditions:
Inborn genetic diseases. Identifiers: MedGen C0950123, MeSH D030342.

Allele frequency attached by ClinVar (database versions not stated): gnomAD 0.00003; ExAC 0.00004.
gnomAD v4.1: 47 of 1,613,294 alleles (0.0029%); highest among the groups gnomAD compares: Middle Eastern, 0.017%; no homozygotes.

Submissions (2):

CeGaT Center for Human Genetics Tuebingen
Classification: Uncertain significance. Last evaluated: 2026-06-01. Review status: criteria provided, single submitter. Criteria: CeGaT Center For Human Genetics Tuebingen Variant Classification Criteria Version 2. Collection method: clinical testing. Allele origin: germline. Affected: yes. Observed: 1 variant allele.
Comment: FLG: PM2, BP4

Ambry Genetics
Classification: Uncertain significance for Inborn genetic diseases. Last evaluated: 2021-07-09. Review status: criteria provided, single submitter. Criteria: Ambry Variant Classification Scheme 2023. Collection method: clinical testing. Allele origin: germline.